The following is an entry in ClinVar:

ClinVar aggregate classification (germline): Uncertain significance (1 of 4 stars; one submission).

Conditions:
Familial hemophagocytic lymphohistiocytosis 3 (FHL3). Also called: UNC13D-Related Familial Hemophagocytic Lymphohistiocytosis (UNC13D-fHLH). Identifiers: Orphanet 540, MedGen C1837174, MONDO:0012146, OMIM 608898.

Submission:

Labcorp Genetics (formerly Invitae), Labcorp
Classification: Uncertain significance for Familial hemophagocytic lymphohistiocytosis 3. Last evaluated: 2025-12-18. Review status: criteria provided, single submitter. Criteria: Invitae Variant Classification Sherloc (09022015). Collection method: clinical testing. Allele origin: germline.
Comment: This sequence change replaces proline, which is neutral and non-polar, with arginine, which is basic and polar, at codon 1090 of the UNC13D protein (p.Pro1090Arg). This variant is not present in population databases (gnomAD no frequency). This variant has not been reported in the literature in individuals affected with UNC13D-related conditions. An algorithm developed to predict the effect of missense changes on protein structure and function outputs the following: PolyPhen-2: "Probably Damaging". The arginine amino acid residue is found in multiple mammalian species, which suggests that this missense change does not adversely affect protein function. Algorithms developed to predict the effect of sequence changes on RNA splicing suggest that this variant may create or strengthen a splice site. In summary, the available evidence is currently insufficient to determine the role of this variant in disease. Therefore, it has been classified as a Variant of Uncertain Significance.

NM_199242.3(UNC13D):c.3269C>G (p.Pro1090Arg)

Gene: UNC13D (unc-13 homolog D; minus strand). Cytogenetic location: 17q25.1.
Variant type: single nucleotide variant.
Coding change: c.3269C>G on transcript NM_199242.3 (MANE Select); coding-DNA position 3269, C replaced by G.
Protein change: p.Pro1090Arg; replaces proline 1090 with arginine.
Molecular consequence: missense variant.
Genome position (GRCh38, 1-based): chr17:75,827,969, G>C on the plus strand (C>G on the coding strand, the complement: UNC13D is on the minus strand). VCF-style: chr17-75827969-G-C. GRCh37 (hg19) VCF-style: chr17-73824050-G-C.
Other names: short protein forms P1090R.
Identifiers: ClinVar variation 4769726 (VCV004769726.1).